The following is an entry in ClinVar:

NM_006269.2(RP1):c.2219C>A (p.Ser740Ter)

Gene: RP1 (RP1 axonemal microtubule associated; plus strand). Cytogenetic location: 8q12.1.
Variant type: single nucleotide variant.
Coding change: c.2219C>A on transcript NM_006269.2 (MANE Select); coding-DNA position 2219, C replaced by A.
Protein change: p.Ser740Ter; replaces serine 740 with a stop codon.
Molecular consequence: nonsense. On other transcripts: intron variant (1).
Genome position (GRCh38, 1-based): chr8:54,626,101, C>A. VCF-style: chr8-54626101-C-A. GRCh37 (hg19) VCF-style: chr8-55538661-C-A.
Other names: c.787+3813C>A (NM_001375654.1); short protein forms S740*.
Identifiers: ClinVar variation 867011 (VCV000867011.12), dbSNP rs1554519555, ClinGen allele CA370993030.

ClinVar aggregate classification (germline): Pathogenic. Review status: criteria provided, multiple submitters, no conflicts (2 of 4 stars). 2 submissions from 2 submitters: Pathogenic (2). Last evaluated 2022-06-03.

Conditions:
RP1-related disorder. Also called: RP1-related condition.

Submissions (2):

Labcorp Genetics (formerly Invitae), Labcorp
Classification: Pathogenic. Last evaluated: 2022-06-03. Review status: criteria provided, single submitter. Criteria: Invitae Variant Classification Sherloc (09022015). Collection method: clinical testing. Allele origin: germline.
Comment: This premature translational stop signal has been observed in individuals with autosomal dominant retinitis pigmentosa (PMID: 28041643; Invitae). For these reasons, this variant has been classified as Pathogenic. This variant disrupts the C-terminus of the RP1 protein. Many variants that disrupt this region have been reported in individuals with either autosomal dominant or autosomal recessive retinitis pigmentosa (PMID: 11527933, 19933189, 29425069, 30027431, 33681214). Therefore, variants that disrupt this region are expected to be disease-causing. ClinVar contains an entry for this variant (Variation ID: 867011). This variant is not present in population databases (gnomAD no frequency). This sequence change creates a premature translational stop signal (p.Ser740*) in the RP1 gene. While this is not anticipated to result in nonsense mediated decay, it is expected to disrupt the last 1417 amino acid(s) of the RP1 protein.

Blueprint Genetics
Classification: Pathogenic for RP1-related disorders. Last evaluated: 2021-04-26. Review status: criteria provided, single submitter. Criteria: ACMG Guidelines, 2015. Collection method: clinical testing. Allele origin: germline. Affected: yes. Observed: 2 variant alleles.

Literature cited by the submitters: PubMed 28041643 (cited by Labcorp Genetics (formerly Invitae), Labcorp); PubMed 11527933 (cited by Labcorp Genetics (formerly Invitae), Labcorp); PubMed 19933189 (cited by Labcorp Genetics (formerly Invitae), Labcorp); PubMed 29425069 (cited by Labcorp Genetics (formerly Invitae), Labcorp); PubMed 30027431 (cited by Labcorp Genetics (formerly Invitae), Labcorp); PubMed 33681214 (cited by Labcorp Genetics (formerly Invitae), Labcorp).